The following is an entry in ClinVar:

NM_032043.3(BRIP1):c.2906-3T>G

Gene: BRIP1 (BRCA1 interacting DNA helicase 1; minus strand). Cytogenetic location: 17q23.2.
Variant type: single nucleotide variant.
Coding change: c.2906-3T>G on transcript NM_032043.3 (MANE Select); 3 bases into the intron before coding-DNA position 2906, T replaced by G.
Molecular consequence: intron variant.
Genome position (GRCh38, 1-based): chr17:61,684,143, A>C on the plus strand (T>G on the coding strand, the complement: BRIP1 is on the minus strand). VCF-style: chr17-61684143-A-C. GRCh37 (hg19) VCF-style: chr17-59761504-A-C.
Identifiers: ClinVar variation 659742 (VCV000659742.7), dbSNP rs370819200, ClinGen allele CA915950690.
Genomic context (GRCh38, chr17:61,684,143, plus strand): 5'-GATCTGGAAATCACAATTTTTTCTGCTTTCCCTGCTTCTTCCAGGAATACTGGATCATCT[A>C]AGAATACAAGAATTTAAGAGATTTAACTTTCTGCTCCTAGCTAACATAATTGCTAGGTTA-3'

ClinVar aggregate classification (germline): Uncertain significance (1 of 4 stars; one submission).

Conditions:
Fanconi anemia complementation group J. Also called: BRIP1-Related Fanconi Anemia. Identifiers: Orphanet 84, MedGen C1836860, MONDO:0012187, OMIM 609054.
Familial cancer of breast. Also called: hereditary breast carcinoma; Hereditary breast cancer; BREAST CANCER, FAMILIAL. Identifiers: Orphanet 227535, MedGen C0346153, MONDO:0016419, OMIM 114480. Disease mechanism: loss of function.

Submission:

Labcorp Genetics (formerly Invitae), Labcorp
Classification: Uncertain significance for Familial cancer of breast; Fanconi anemia complementation group J. Last evaluated: 2024-04-18. Review status: criteria provided, single submitter. Criteria: Invitae Variant Classification Sherloc (09022015). Collection method: clinical testing. Allele origin: germline.
Comment: This sequence change falls in intron 19 of the BRIP1 gene. It does not directly change the encoded amino acid sequence of the BRIP1 protein. It affects a nucleotide within the consensus splice site. This variant is not present in population databases (gnomAD no frequency). This variant has not been reported in the literature in individuals affected with BRIP1-related conditions. ClinVar contains an entry for this variant (Variation ID: 659742). Variants that disrupt the consensus splice site are a relatively common cause of aberrant splicing (PMID: 17576681, 9536098). Algorithms developed to predict the effect of sequence changes on RNA splicing suggest that this variant may disrupt the consensus splice site. In summary, the available evidence is currently insufficient to determine the role of this variant in disease. Therefore, it has been classified as a Variant of Uncertain Significance.

Literature cited by the submitters: PubMed 17576681; PubMed 9536098.